The following is an entry in ClinVar:

ClinVar aggregate classification (germline): Uncertain significance (1 of 4 stars; one submission).

Conditions:
Cardiac arrhythmia. Also called: Arrhythmia; Cardiac rhythm disease. Identifiers: MedGen C0003811, MONDO:0007263, HP:0011675.

Allele frequency attached by ClinVar (database versions not stated): gnomAD exomes below 0.00001.
gnomAD v4.1: 1 of 1,614,110 alleles (0.000062%); highest among the groups gnomAD compares: Admixed American, 0.0017%; no homozygotes.

Submission:

Color Diagnostics, LLC DBA Color Health
Classification: Uncertain significance for Cardiac arrhythmia. Last evaluated: 2022-07-11. Review status: criteria provided, single submitter. Criteria: ACMG Guidelines, 2015. Collection method: clinical testing. Allele origin: germline.
Comment: This missense variant replaces leucine with proline at codon 137 of the KCNQ1 protein. Computational prediction suggests that this variant may have deleterious impact on protein structure and function (internally defined REVEL score threshold >= 0.7, PMID: 27666373). To our knowledge, functional studies have not been reported for this variant. This variant has not been reported in individuals affected with cardiovascular disorders in the literature. This variant has been identified in 1/251432 chromosomes in the general population by the Genome Aggregation Database (gnomAD). The available evidence is insufficient to determine the role of this variant in disease conclusively. Therefore, this variant is classified as a Variant of Uncertain Significance.

NM_000218.3(KCNQ1):c.410T>C (p.Leu137Pro)

Gene: KCNQ1 (potassium voltage-gated channel subfamily Q member 1; plus strand). Cytogenetic location: 11p15.5.
Variant type: single nucleotide variant.
Coding change: c.410T>C on transcript NM_000218.3 (MANE Select); coding-DNA position 410, T replaced by C.
Protein change: p.Leu137Pro; replaces leucine 137 with proline.
Molecular consequence: missense variant.
Genome position (GRCh38, 1-based): chr11:2,527,951, T>C. VCF-style: chr11-2527951-T-C. GRCh37 (hg19) VCF-style: chr11-2549181-T-C.
Other names: c.410T>C, p.Leu137Pro (NM_001406836.1, NM_001406838.1); c.140T>C, p.Leu47Pro (NM_001406837.1); c.29T>C, p.Leu10Pro (NM_181798.2); short protein forms L10P, L137P, L47P.
Identifiers: ClinVar variation 2773462 (VCV002773462.2), dbSNP rs1228742593, ClinGen allele CA379121302.
Genomic context (GRCh38, chr11:2,527,951, plus strand): 5'-AGGCCGTGATGCTGACTGCCGTGTCCCTGTCTTGCAGCTTCCTCATCGTCCTGGTCTGCC[T>C]CATCTTCAGCGTGCTGTCCACCATCGAGCAGTATGCCGCCCTGGCCACGGGGACTCTCTT-3'
Protein context (NP_000209.2, residues 127-147): FAVFLIVLVC[Leu137Pro]IFSVLSTIEQ